The following is an entry in ClinVar:

NM_001711.6(BGN):c.232G>C (p.Asp78His)

Gene: BGN (biglycan; plus strand). Cytogenetic location: Xq28.
Variant type: single nucleotide variant.
Coding change: c.232G>C on transcript NM_001711.6 (MANE Select); coding-DNA position 232, G replaced by C.
Protein change: p.Asp78His; replaces aspartic acid 78 with histidine.
Molecular consequence: missense variant.
Genome position (GRCh38, 1-based): chrX:153,504,863, G>C. VCF-style: chrX-153504863-G-C. GRCh37 (hg19) VCF-style: chrX-152770321-G-C.
Other names: short protein forms D78H.
Identifiers: ClinVar variation 4822836 (VCV004822836.4).

ClinVar aggregate classification (germline): Uncertain significance (1 of 4 stars; one submission).

Submission:

CeGaT Center for Human Genetics Tuebingen
Classification: Uncertain significance. Last evaluated: 2026-01-01. Review status: criteria provided, single submitter. Criteria: CeGaT Center For Human Genetics Tuebingen Variant Classification Criteria Version 2. Collection method: clinical testing. Allele origin: germline. Affected: yes. Observed: 1 variant allele.
Comment: BGN: PM2